The following is an entry in ClinVar:

ClinVar aggregate classification (germline): Benign (1 of 4 stars; one submission).

Conditions:
MELAS syndrome (MELAS). Also called: Juvenile myopathy, encephalopathy, lactic acidosis, stroke. Identifiers: Orphanet 550, MedGen C0162671, MONDO:0010789, OMIM 540000.

Submission:

Wong Mito Lab, Molecular and Human Genetics, Baylor College of Medicine
Classification: Benign for MELAS syndrome. Last evaluated: 2019-07-12. Review status: criteria provided, single submitter. Criteria: Modified ACMG Guidelines (Unpublished). Collection method: clinical testing. Allele origin: germline.
Comment: The NC_012920.1:m.8337T>C variant in MT-TK gene is interpreted to be a Benign variant based on the modified ACMG guidelines (unpublished). This variant meets the following evidence codes reported in the guidelines: BS1, BS2, BP4

Literature cited by the submitters: PubMed 31965079.

NC_012920.1(MT-TK):m.8337T>C

Gene: MT-TK (mitochondrially encoded tRNA lysine; plus strand).
Variant type: single nucleotide variant.
Genome position: chrM-8337-T-C.
Identifiers: ClinVar variation 690072 (VCV000690072.1), dbSNP rs1603221405, ClinGen allele CA913179017.